The following is an entry in ClinVar:

NM_001243212.2(CCER2):c.61G>T (p.Ala21Ser)

Gene: CCER2 (coiled-coil glutamate rich protein 2; minus strand). Cytogenetic location: 19q13.2.
Variant type: single nucleotide variant.
Coding change: c.61G>T on transcript NM_001243212.2 (MANE Select); coding-DNA position 61, G replaced by T.
Protein change: p.Ala21Ser; replaces alanine 21 with serine.
Molecular consequence: missense variant.
Genome position (GRCh38, 1-based): chr19:38,912,098, C>A on the plus strand (G>T on the coding strand, the complement: CCER2 is on the minus strand). VCF-style: chr19-38912098-C-A. GRCh37 (hg19) VCF-style: chr19-39402738-C-A.
Other names: short protein forms A21S.
Identifiers: ClinVar variation 2997455 (VCV002997455.3), dbSNP rs1259655305, ClinGen allele CA405734902.

ClinVar aggregate classification (germline): Uncertain significance (1 of 4 stars; one submission).

Allele frequency attached by ClinVar (database versions not stated): gnomAD 0.00001; TOPMed 0.00002.
gnomAD v4.1: 6 of 1,517,772 alleles (0.0004%); highest among the groups gnomAD compares: Non-Finnish European, 0.00053%; no homozygotes.

Submission:

Labcorp Genetics (formerly Invitae), Labcorp
Classification: Uncertain significance. Last evaluated: 2023-04-14. Review status: criteria provided, single submitter. Criteria: Invitae Variant Classification Sherloc (09022015). Collection method: clinical testing. Allele origin: germline.
Comment: In summary, the available evidence is currently insufficient to determine the role of this variant in disease. Therefore, it has been classified as a Variant of Uncertain Significance. Variants that disrupt the consensus splice site are a relatively common cause of aberrant splicing (PMID: 17576681, 9536098). Algorithms developed to predict the effect of missense changes on protein structure and function output the following: SIFT: "Not Available"; PolyPhen-2: "Possibly Damaging"; Align-GVGD: "Not Available". The serine amino acid residue is found in multiple mammalian species, which suggests that this missense change does not adversely affect protein function. This variant has not been reported in the literature in individuals affected with CCER2-related conditions. This variant is not present in population databases (gnomAD no frequency). This sequence change replaces alanine, which is neutral and non-polar, with serine, which is neutral and polar, at codon 21 of the CCER2 protein (p.Ala21Ser). This variant also falls at the last nucleotide of exon 1, which is part of the consensus splice site for this exon.

Literature cited by the submitters: PubMed 17576681; PubMed 9536098.